The following is an entry in ClinVar:

ClinVar aggregate classification (germline): Likely pathogenic (1 of 4 stars; one submission).

Conditions:
Very long chain acyl-CoA dehydrogenase deficiency (ACADVLD). Also called: VLCAD Deficiency; Very Long-Chain Acyl-Coenzyme A Dehydrogenase Deficiency. Identifiers: Orphanet 26793, MedGen C3887523, MONDO:0008723, OMIM 201475.

Submission:

Labcorp Genetics (formerly Invitae), Labcorp
Classification: Likely pathogenic for Very long chain acyl-CoA dehydrogenase deficiency. Last evaluated: 2020-05-22. Review status: criteria provided, single submitter. Criteria: Invitae Variant Classification Sherloc (09022015). Collection method: clinical testing. Allele origin: germline.
Comment: This variant results in the deletion of part of exon 10 (c.879-88_896del) of the ACADVL gene. It is expected to disrupt RNA splicing and likely results in an absent or disrupted protein product. This variant is not present in population databases (ExAC no frequency). This variant has not been reported in the literature in individuals with ACADVL-related conditions. Algorithms developed to predict the effect of sequence changes on RNA splicing suggest that this variant may disrupt the consensus splice site, but this prediction has not been confirmed by published transcriptional studies. Loss-of-function variants in ACADVL are known to be pathogenic (PMID: 9973285, 11590124). In summary, the currently available evidence indicates that the variant is pathogenic, but additional data are needed to prove that conclusively. Therefore, this variant has been classified as Likely Pathogenic.

Literature cited by the submitters: PubMed 9973285; PubMed 11590124.

NM_000018.4(ACADVL):c.879-88_896del

Gene: ACADVL (acyl-CoA dehydrogenase very long chain; plus strand). Cytogenetic location: 17p13.1.
Variant type: Deletion.
Coding change: c.879-88_896del on transcript NM_000018.4 (MANE Select); 88 bases into the intron before coding-DNA position 879 through coding-DNA position 896, 106 bases deleted.
Molecular consequence: splice acceptor variant.
Genome position (GRCh38, 1-based): chr17:7,222,579-7,222,684, 106 bases deleted. GRCh37 (hg19): chr17:7,125,898-7,126,003.
Other names: c.948-88_965del (NM_001270447.2); c.651-88_668del (NM_001270448.2); c.813-88_830del (NM_001033859.3).
Identifiers: ClinVar variation 1067547 (VCV001067547.7), dbSNP rs2142979402, ClinGen allele CA2499224900.